The following is an entry in ClinVar:

ClinVar aggregate classification (germline): Conflicting classifications of pathogenicity. Review status: criteria provided, conflicting classifications (1 of 4 stars). 5 submissions from 5 submitters: Uncertain significance (1); Likely benign (4). Last evaluated 2026-01-28.

Conditions:
Disorders of Intracellular Cobalamin Metabolism. Identifiers: MedGen CN043592.
Methylcobalamin deficiency type cblG (HMAG). Also called: HOMOCYSTINURIA-MEGALOBLASTIC ANEMIA, cblG COMPLEMENTATION TYPE; HOMOCYSTINURIA-MEGALOBLASTIC ANEMIA, cblG TYPE; Functional methionine synthase deficiency type cblG; HOMOCYSTINURIA-MEGALOBLASTIC ANEMIA DUE TO DEFECT IN COBALAMIN METABOLISM, cblG COMPLEMENTATION TYPE. Identifiers: Orphanet 2170, Orphanet 622, MedGen C1855128, MONDO:0009609, OMIM 250940.

Allele frequency attached by ClinVar (database versions not stated): TOPMed 0.00046; gnomAD exomes 0.00053 and 0.00059; gnomAD 0.00061 and 0.00064; ESP Exome Variant Server 0.00069; ExAC 0.00071.
gnomAD v4.1: 860 of 1,614,130 alleles (0.053%); highest among the groups gnomAD compares: Non-Finnish European, 0.062%; 1 homozygote.

Submissions (5):

Labcorp Genetics (formerly Invitae), Labcorp
Classification: Likely benign for Methylcobalamin deficiency type cblG. Last evaluated: 2026-01-28. Review status: criteria provided, single submitter. Criteria: Invitae Variant Classification Sherloc (09022015). Collection method: clinical testing. Allele origin: germline.

CeGaT Center for Human Genetics Tuebingen
Classification: Likely benign. Last evaluated: 2024-12-01. Review status: criteria provided, single submitter. Criteria: CeGaT Center For Human Genetics Tuebingen Variant Classification Criteria Version 2. Collection method: clinical testing. Allele origin: germline. Affected: yes. Observed: 4 variant alleles.
Comment: MTR: BP4, BP7

Blueprint Genetics
Classification: Likely benign. Last evaluated: 2024-11-13. Review status: criteria provided, single submitter. Criteria: ACMG Guidelines, 2015. Collection method: clinical testing. Allele origin: germline.

Illumina Laboratory Services, Illumina
Classification: Uncertain significance for Disorders of Intracellular Cobalamin Metabolism. Last evaluated: 2018-01-13. Review status: criteria provided, single submitter. Criteria: ICSL Variant Classification Criteria 13 December 2019. Collection method: clinical testing. Allele origin: germline.

GeneDx
Classification: Likely benign. Last evaluated: 2017-11-29. Review status: criteria provided, single submitter. Criteria: GeneDx Variant Classification (06012015). Collection method: clinical testing. Allele origin: germline. Affected: yes.
Comment: This variant is considered likely benign or benign based on one or more of the following criteria: it is a conservative change, it occurs at a poorly conserved position in the protein, it is predicted to be benign by multiple in silico algorithms, and/or has population frequency not consistent with disease.

NM_000254.3(MTR):c.2622G>A (p.Pro874=)

Gene: MTR (5-methyltetrahydrofolate-homocysteine methyltransferase; plus strand). Cytogenetic location: 1q43.
Variant type: single nucleotide variant.
Coding change: c.2622G>A on transcript NM_000254.3 (MANE Select); coding-DNA position 2622, G replaced by A.
Protein change: p.Pro874=; no amino-acid change (proline 874 retained).
Molecular consequence: synonymous variant.
Genome position (GRCh38, 1-based): chr1:236,880,782, G>A. VCF-style: chr1-236880782-G-A. GRCh37 (hg19) VCF-style: chr1-237044082-G-A.
Other names: c.2469G>A, p.Pro823= (NM_001291939.1); c.1401G>A, p.Pro467= (NM_001291940.2).
Identifiers: ClinVar variation 389998 (VCV000389998.40), dbSNP rs141919148, ClinGen allele CA1474457.